The following is an entry in ClinVar:

ClinVar aggregate classification (germline): Uncertain significance (1 of 4 stars; one submission).

Allele frequency attached by ClinVar (database versions not stated): gnomAD exomes 0.00001; ExAC 0.00002; gnomAD 0.00009; TOPMed 0.00009; 1000 Genomes Project 0.00020; 1000 Genomes Project 30x 0.00031.
gnomAD v4.1: 29 of 1,613,894 alleles (0.0018%); highest among the groups gnomAD compares: African/African-American, 0.036%; no homozygotes.

Submission:

Labcorp Genetics (formerly Invitae), Labcorp
Classification: Uncertain significance. Last evaluated: 2021-08-31. Review status: criteria provided, single submitter. Criteria: Invitae Variant Classification Sherloc (09022015). Collection method: clinical testing. Allele origin: germline.
Comment: This sequence change replaces glutamine with lysine at codon 459 of the EFL1 protein (p.Gln459Lys). The glutamine residue is highly conserved and there is a small physicochemical difference between glutamine and lysine. This variant is present in population databases (rs528287650, ExAC 0.02%). This variant has not been reported in the literature in individuals affected with EFL1-related conditions. Algorithms developed to predict the effect of missense changes on protein structure and function are either unavailable or do not agree on the potential impact of this missense change (SIFT: "Deleterious"; PolyPhen-2: "Benign"; Align-GVGD: "Class C0"). In summary, the available evidence is currently insufficient to determine the role of this variant in disease. Therefore, it has been classified as a Variant of Uncertain Significance.

NM_024580.6(EFL1):c.1375C>A (p.Gln459Lys)

Gene: EFL1 (elongation factor like GTPase 1; minus strand). Cytogenetic location: 15q25.2.
Variant type: single nucleotide variant.
Coding change: c.1375C>A on transcript NM_024580.6 (MANE Select); coding-DNA position 1375, C replaced by A.
Protein change: p.Gln459Lys; replaces glutamine 459 with lysine.
Molecular consequence: missense variant. On other transcripts: non-coding transcript variant (1).
Genome position (GRCh38, 1-based): chr15:82,220,147, G>T on the plus strand (C>A on the coding strand, the complement: EFL1 is on the minus strand). VCF-style: chr15-82220147-G-T. GRCh37 (hg19) VCF-style: chr15-82512488-G-T.
Other names: c.1222C>A, p.Gln408Lys (NM_001040610.3); c.586C>A, p.Gln196Lys (NM_001322844.2); c.1375C>A, p.Gln459Lys (NM_001322845.2); short protein forms Q408K, Q196K, Q459K.
Identifiers: ClinVar variation 1466126 (VCV001466126.5), dbSNP rs528287650, ClinGen allele CA7698000.